The following is an entry in ClinVar:

NM_005876.5(SPEG):c.3766G>A (p.Gly1256Ser)

Gene: SPEG (striated muscle enriched protein kinase; plus strand). Cytogenetic location: 2q35.
Variant type: single nucleotide variant.
Coding change: c.3766G>A on transcript NM_005876.5 (MANE Select); coding-DNA position 3766, G replaced by A.
Protein change: p.Gly1256Ser; replaces glycine 1256 with serine.
Molecular consequence: missense variant.
Genome position (GRCh38, 1-based): chr2:219,471,918, G>A. VCF-style: chr2-219471918-G-A. GRCh37 (hg19) VCF-style: chr2-220336640-G-A.
Other names: short protein forms G1256S.
Identifiers: ClinVar variation 1405408 (VCV001405408.9), dbSNP rs1173927707, ClinGen allele CA350751242.
Genomic context (GRCh38, chr2:219,471,918, plus strand): 5'-CCCCTCCCAGACAGGGATGTCCATCGCTTGGTGTTCCCTGCCGTGGGGCCTCAGCACGCC[G>A]GTGTCTACAAGAGCGTCATTGCCAACAAGCTGGGCAAAGCTGCCTGCTATGCCCACCTGT-3'
Protein context (NP_005867.3, residues 1246-1266): VFPAVGPQHA[Gly1256Ser]VYKSVIANKL

ClinVar aggregate classification (germline): Uncertain significance (1 of 4 stars; one submission).

gnomAD v4.1: 5 of 1,614,000 alleles (0.00031%); highest among the groups gnomAD compares: Non-Finnish European, 0.00042%; no homozygotes.

Submission:

Labcorp Genetics (formerly Invitae), Labcorp
Classification: Uncertain significance. Last evaluated: 2022-10-04. Review status: criteria provided, single submitter. Criteria: Invitae Variant Classification Sherloc (09022015). Collection method: clinical testing. Allele origin: germline.
Comment: In summary, the available evidence is currently insufficient to determine the role of this variant in disease. Therefore, it has been classified as a Variant of Uncertain Significance. Algorithms developed to predict the effect of missense changes on protein structure and function are either unavailable or do not agree on the potential impact of this missense change (SIFT: "Deleterious"; PolyPhen-2: "Probably Damaging"; Align-GVGD: "Class C0"). ClinVar contains an entry for this variant (Variation ID: 1405408). This variant has not been reported in the literature in individuals affected with SPEG-related conditions. This variant is not present in population databases (gnomAD no frequency). This sequence change replaces glycine, which is neutral and non-polar, with serine, which is neutral and polar, at codon 1256 of the SPEG protein (p.Gly1256Ser).